The following is an entry in ClinVar:

ClinVar aggregate classification (germline): Likely benign (0 of 4 stars; one submission).

Conditions:
HOXA13-related disorder. Also called: HOXA13-related condition.

Submission:

PreventionGenetics, part of Exact Sciences
Classification: Likely benign for HOXA13-related condition. Last evaluated: 2024-09-10. Review status: no assertion criteria provided. Collection method: clinical testing. Allele origin: germline.
Comment: This variant is classified as likely benign based on ACMG/AMP sequence variant interpretation guidelines (Richards et al. 2015 PMID: 25741868, with internal and published modifications).

NM_000522.5(HOXA13):c.378A>C (p.Ala126=)

Genes: HOXA13 (homeobox A13; minus strand), LOC107126288 (NUP98-HOXA13 recombination region; plus strand). Cytogenetic location: 7p15.2.
Variant type: single nucleotide variant.
Coding change: c.378A>C on transcript NM_000522.5 (MANE Select); coding-DNA position 378, A replaced by C.
Protein change: p.Ala126=; no amino-acid change (alanine 126 retained).
Molecular consequence: synonymous variant.
Genome position (GRCh38, 1-based): chr7:27,199,700, T>G on the plus strand (A>C on the coding strand, the complement: HOXA13 is on the minus strand). VCF-style: chr7-27199700-T-G. GRCh37 (hg19) VCF-style: chr7-27239319-T-G.
Identifiers: ClinVar variation 3355933 (VCV003355933.1).